The following is an entry in ClinVar:

NM_006363.6(SEC23B):c.1649G>A (p.Arg550Gln)

Gene: SEC23B (SEC23 homolog B, COPII component; plus strand). Cytogenetic location: 20p11.23.
Variant type: single nucleotide variant.
Coding change: c.1649G>A on transcript NM_006363.6 (MANE Select); coding-DNA position 1649, G replaced by A.
Protein change: p.Arg550Gln; replaces arginine 550 with glutamine.
Molecular consequence: missense variant.
Genome position (GRCh38, 1-based): chr20:18,543,156, G>A. VCF-style: chr20-18543156-G-A. GRCh37 (hg19) VCF-style: chr20-18523800-G-A.
Other names: p.Arg550Gln; c.1649G>A, p.Arg550Gln (NM_001172745.3, NM_032985.6, NM_032986.5); c.1595G>A, p.Arg532Gln (NM_001172746.3); short protein forms R550Q, R532Q.
Identifiers: ClinVar variation 259966 (VCV000259966.31), dbSNP rs111572459, ClinGen allele CA9778435.

ClinVar aggregate classification (germline): Benign/Likely benign. Review status: criteria provided, multiple submitters, no conflicts (2 of 4 stars). 7 submissions from 7 submitters: Benign (2); Likely benign (4). 1 of the submissions does not count toward it. Last evaluated 2026-02-01.

Conditions:
Congenital dyserythropoietic anemia, type II (CDAN2). Also called: DYSERYTHROPOIETIC ANEMIA, HEMPAS TYPE. Identifiers: Orphanet 98873, MedGen C1306589, MONDO:0009134, OMIM 224100.
SEC23B-related disorder. Also called: SEC23B-related disorders; SEC23B-related condition.
Cowden syndrome 7 (CWS7). Identifiers: Orphanet 201, MedGen C4225179, MONDO:0014802, OMIM 616858.

Allele frequency attached by ClinVar (database versions not stated): gnomAD exomes 0.00041 and 0.00102; ExAC 0.00137; gnomAD 0.00439 and 0.00474; ESP Exome Variant Server 0.00600; TOPMed 0.00486; 1000 Genomes Project 0.00499; 1000 Genomes Project 30x 0.00515.
gnomAD v4.1: 1,296 of 1,614,134 alleles (0.08%); highest among the groups gnomAD compares: African/African-American, 1.5%; 12 homozygotes.

Submissions (7):

Labcorp Genetics (formerly Invitae), Labcorp
Classification: Benign for Congenital dyserythropoietic anemia, type II; Cowden syndrome 7. Last evaluated: 2026-02-01. Review status: criteria provided, single submitter. Criteria: Invitae Variant Classification Sherloc (09022015). Collection method: clinical testing. Allele origin: germline.

Mayo Clinic Laboratories, Mayo Clinic
Classification: Likely benign. Last evaluated: 2025-10-14. Review status: criteria provided, single submitter. Criteria: ACMG Guidelines, 2015. Collection method: clinical testing. Allele origin: germline. Observed: 23 variant alleles.

ARUP Laboratories, Molecular Genetics and Genomics, ARUP Laboratories
Classification: Likely benign. Last evaluated: 2025-05-07. Review status: criteria provided, single submitter. Criteria: ARUP Molecular Germline Variant Investigation Process 2024. Collection method: clinical testing. Allele origin: germline.

Blueprint Genetics
Classification: Likely benign. Last evaluated: 2024-11-27. Review status: criteria provided, single submitter. Criteria: ACMG Guidelines, 2015. Collection method: clinical testing. Allele origin: germline.

Illumina Laboratory Services, Illumina
Classification: Benign for Congenital dyserythropoietic anemia, type II. Last evaluated: 2018-01-13. Review status: criteria provided, single submitter. Criteria: ICSL Variant Classification Criteria 13 December 2019. Collection method: clinical testing. Allele origin: germline.
Comment: This variant was observed in the ICSL laboratory as part of a predisposition screen in an ostensibly healthy population. It had not been previously curated by ICSL or reported in the Human Gene Mutation Database (HGMD: prior to June 1st, 2018), and was therefore a candidate for classification through an automated scoring system. Utilizing variant allele frequency, disease prevalence and penetrance estimates, and inheritance mode, an automated score was calculated to assess if this variant is too frequent to cause the disease. Based on the score and internal cut-off values, a variant classified as benign is not then subjected to further curation. The score for this variant resulted in a classification of benign for this disease.

Center for Pediatric Genomic Medicine, Children's Mercy Hospital and Clinics
Classification: Likely benign. Last evaluated: 2016-12-13. Review status: criteria provided, single submitter. Criteria: ACMG Guidelines, 2015. Collection method: clinical testing. Allele origin: germline.
ClinVar note: Converted during submission from Likely Benign to Likely benign.

PreventionGenetics, part of Exact Sciences
Classification: Benign for SEC23B-related condition. Last evaluated: 2023-05-24. Review status: no assertion criteria provided. Collection method: clinical testing. Allele origin: germline. Not counted in ClinVar's aggregate classification.
Comment: This variant is classified as benign based on ACMG/AMP sequence variant interpretation guidelines (Richards et al. 2015 PMID: 25741868, with internal and published modifications).